The following is an entry in ClinVar:

NM_006225.4(PLCD1):c.1864C>T (p.Gln622Ter)

Gene: PLCD1 (phospholipase C delta 1; minus strand). Cytogenetic location: 3p22.2.
Variant type: single nucleotide variant.
Coding change: c.1864C>T on transcript NM_006225.4 (MANE Select); coding-DNA position 1864, C replaced by T.
Protein change: p.Gln622Ter; replaces glutamine 622 with a stop codon.
Molecular consequence: nonsense. On other transcripts: non-coding transcript variant (1).
Genome position (GRCh38, 1-based): chr3:38,008,496, G>A on the plus strand (C>T on the coding strand, the complement: PLCD1 is on the minus strand). VCF-style: chr3-38008496-G-A. GRCh37 (hg19) VCF-style: chr3-38049987-G-A.
Other names: c.1927C>T, p.Gln643Ter (NM_001130964.2); short protein forms Q622*, Q643*.
Identifiers: ClinVar variation 4882548 (VCV004882548.2).

ClinVar aggregate classification (germline): Likely pathogenic (1 of 4 stars; one submission).

Conditions:
Nonsyndromic congenital nail disorder 3 (NDNC3). Also called: LEUKONYCHIA TOTALIS AND/OR PARTIALIS; Nail disorder, nonsyndromic congenital, 3, (leukonychia). Identifiers: MedGen C0544855, MONDO:0007900, OMIM 151600.

gnomAD v4.1: 10 of 1,614,042 alleles (0.00062%); highest among the groups gnomAD compares: Admixed American, 0.005%; no homozygotes.

Submission:

Dasa
Classification: Likely pathogenic for Nonsyndromic congenital nail disorder 3. Last evaluated: 2024-11-20. Review status: criteria provided, single submitter. Criteria: DASA Assertion Criteria. Collection method: clinical testing. Allele origin: germline.
Comment: NM_006225.4(PLCD1):c.1864C>T (p.Gln622*) is a nonsense variant in PLCD1 predicted to introduce a premature termination codon and is predicted to result in an absent or altered protein product. Loss of function is an established disease mechanism for PLCD1-associated disorders. Also, this variant is rare in population databases. Based on the currently available evidence, this variant is classified as likely pathogenic.